The following is an entry in ClinVar:

NM_003835.4(RGS9):c.1780C>T (p.Pro594Ser)

Gene: RGS9 (regulator of G protein signaling 9; plus strand). Cytogenetic location: 17q24.1.
Variant type: single nucleotide variant.
Coding change: c.1780C>T on transcript NM_003835.4 (MANE Select); coding-DNA position 1780, C replaced by T.
Protein change: p.Pro594Ser; replaces proline 594 with serine.
Molecular consequence: missense variant.
Genome position (GRCh38, 1-based): chr17:65,225,374, C>T. VCF-style: chr17-65225374-C-T. GRCh37 (hg19) VCF-style: chr17-63221492-C-T.
Other names: c.1771C>T, p.Pro591Ser (NM_001081955.3); short protein forms P591S, P594S.
Identifiers: ClinVar variation 1062310 (VCV001062310.9), dbSNP rs776545254, ClinGen allele CA400673957.

ClinVar aggregate classification (germline): Uncertain significance (1 of 4 stars; one submission).

Allele frequency attached by ClinVar (database versions not stated): gnomAD exomes below 0.00001.
gnomAD v4.1: 1 of 1,612,008 alleles (0.000062%); highest among the groups gnomAD compares: African/African-American, 0.0013%; no homozygotes.

Submission:

Labcorp Genetics (formerly Invitae), Labcorp
Classification: Uncertain significance. Last evaluated: 2022-08-23. Review status: criteria provided, single submitter. Criteria: Invitae Variant Classification Sherloc (09022015). Collection method: clinical testing. Allele origin: germline.
Comment: In summary, the available evidence is currently insufficient to determine the role of this variant in disease. Therefore, it has been classified as a Variant of Uncertain Significance. Algorithms developed to predict the effect of missense changes on protein structure and function (SIFT, PolyPhen-2, Align-GVGD) all suggest that this variant is likely to be tolerated. ClinVar contains an entry for this variant (Variation ID: 1062310). This variant has not been reported in the literature in individuals affected with RGS9-related conditions. This variant is not present in population databases (gnomAD no frequency). This sequence change replaces proline, which is neutral and non-polar, with serine, which is neutral and polar, at codon 594 of the RGS9 protein (p.Pro594Ser).